The following is an entry in ClinVar:

NM_000444.6(PHEX):c.934-2A>G

Gene: PHEX (phosphate regulating endopeptidase X-linked; plus strand). Cytogenetic location: Xp22.11.
Variant type: single nucleotide variant.
Coding change: c.934-2A>G on transcript NM_000444.6 (MANE Select); the canonical splice acceptor site of the intron before coding-DNA position 934, A replaced by G.
Molecular consequence: splice acceptor variant.
Genome position (GRCh38, 1-based): chrX:22,099,004, A>G. VCF-style: chrX-22099004-A-G. GRCh37 (hg19) VCF-style: chrX-22117122-A-G.
Other names: c.934-2A>G (NM_001282754.2).
Identifiers: ClinVar variation 961400 (VCV000961400.13), dbSNP rs1930291143, ClinGen allele CA412572726.

ClinVar aggregate classification (germline): Pathogenic/Likely pathogenic. Review status: criteria provided, multiple submitters, no conflicts (2 of 4 stars). 3 submissions from 3 submitters: Pathogenic (2); Likely pathogenic (1). Last evaluated 2025-01-22.

Conditions:
Familial X-linked hypophosphatemic vitamin D refractory rickets (XLHRD). Also called: Hypophosphatemic Rickets, X-Linked Dominant; X-Linked Hypophosphatemia; Hypophosphatemia, vitamin D-resistant rickets; Vitamin D-resistant rickets, X-linked; HYPOPHOSPHATEMIC VITAMIN D-RESISTANT RICKETS. Identifiers: Orphanet 89936, MedGen C0733682, MONDO:0010619, OMIM 307800.

Submissions (3):

Women's Health and Genetics/Laboratory Corporation of America, LabCorp
Classification: Likely pathogenic for Familial X-linked hypophosphatemic vitamin D refractory rickets. Last evaluated: 2025-01-22. Review status: criteria provided, single submitter. Criteria: LabCorp Variant Classification Summary - May 2015. Collection method: clinical testing. Allele origin: germline.
Comment: Variant summary: PHEX c.934-2A>G is located in a canonical splice-site and is predicted to affect mRNA splicing resulting in a significantly altered protein due to either exon skipping, shortening, or inclusion of intronic material. Variants that disrupt the consensus splice site are a relatively common cause of aberrant splicing and loss of PHEX function. Several computational tools predict a significant impact on normal splicing: Four predict the variant abolishes a canonical 3' acceptor site. However, these predictions have yet to be confirmed by functional studies. The variant was absent in 182548 control chromosomes (gnomAD). c.934-2A>G has been reported in the literature in individuals affected with X-Linked Hypophosphatemic Rickets (e.g. Dixon_1998, Rush_2022). These data indicate that the variant may be associated with disease. To our knowledge, no experimental evidence demonstrating an impact on protein function has been reported. The following publications have been ascertained in the context of this evaluation (PMID: 9768674, 34806794, 34633109). ClinVar contains an entry for this variant (Variation ID: 961400). Based on the evidence outlined above, the variant was classified as likely pathogenic.

3billion
Classification: Pathogenic for Familial X-linked hypophosphatemic vitamin D refractory rickets. Last evaluated: 2022-01-03. Review status: criteria provided, single submitter. Criteria: ACMG Guidelines, 2015. Collection method: clinical testing. Allele origin: germline. Affected: yes. Observed: 1 heterozygote.
Comment: Canonical splice site: predicted to alter splicing and result in a loss or disruption of normal protein function through protein truncation. Multiple pathogenic variants are reported in the predicted truncated region (PVS1_VS). It is not observed in the gnomAD v2.1.1 dataset (PM2_M).Therefore, this variant is classified as pathogenic according to the recommendation of ACMG/AMP guideline. The variant has been reported to be associated with PHEX related disorder (ClinVar ID: VCV000961400), Patient’s phenotype is considered compatible with PHEX-related disorder (PP4_P). Therefore, this variant is classified as pathogenic according to the recommendation of ACMG/AMP guideline.

Labcorp Genetics (formerly Invitae), Labcorp
Classification: Pathogenic. Last evaluated: 2020-07-22. Review status: criteria provided, single submitter. Criteria: Invitae Variant Classification Sherloc (09022015). Collection method: clinical testing. Allele origin: germline.
Comment: For these reasons, this variant has been classified as Pathogenic. Donor and acceptor splice site variants typically lead to a loss of protein function (PMID: 16199547), and loss-of-function variants in PHEX are known to be pathogenic (PMID: 9097956, 9106524, 19219621). Algorithms developed to predict the effect of sequence changes on RNA splicing suggest that this variant may disrupt the consensus splice site, but this prediction has not been confirmed by published transcriptional studies. This variant has been observed in individuals affected with hypophosphatemia (PMID: 9768674, Invitae). This variant is also known in the literature as Intron 8 Del 312-319. This variant is not present in population databases (ExAC no frequency). This sequence change affects an acceptor splice site in intron 8 of the PHEX gene. It is expected to disrupt RNA splicing and likely results in an absent or disrupted protein product.

Literature cited by the submitters: PubMed 9768674 (cited by Women's Health and Genetics/Laboratory Corporation of America, LabCorp and Labcorp Genetics (formerly Invitae), Labcorp); PubMed 34633109 (cited by Women's Health and Genetics/Laboratory Corporation of America, LabCorp); PubMed 34806794 (cited by Women's Health and Genetics/Laboratory Corporation of America, LabCorp); PubMed 16199547 (cited by Labcorp Genetics (formerly Invitae), Labcorp); PubMed 9097956 (cited by Labcorp Genetics (formerly Invitae), Labcorp); PubMed 9106524 (cited by Labcorp Genetics (formerly Invitae), Labcorp); PubMed 19219621 (cited by Labcorp Genetics (formerly Invitae), Labcorp).